The following is an entry in ClinVar:

NM_001372066.1(TFAP2A):c.1226A>C (p.Lys409Thr)

Gene: TFAP2A (transcription factor AP-2 alpha; minus strand). Cytogenetic location: 6p24.3.
Variant type: single nucleotide variant.
Coding change: c.1226A>C on transcript NM_001372066.1 (MANE Select); coding-DNA position 1226, A replaced by C.
Protein change: p.Lys409Thr; replaces lysine 409 with threonine.
Molecular consequence: missense variant.
Genome position (GRCh38, 1-based): chr6:10,398,511, T>G on the plus strand (A>C on the coding strand, the complement: TFAP2A is on the minus strand). VCF-style: chr6-10398511-T-G. GRCh37 (hg19) VCF-style: chr6-10398744-T-G.
Other names: NM_003220.2:c.1220A>C; c.1202A>C, p.Lys401Thr (NM_001032280.3); c.1208A>C, p.Lys403Thr (NM_001042425.3); short protein forms K401T, K403T, K409T.
Identifiers: ClinVar variation 1700777 (VCV001700777.2), dbSNP rs1052198371, ClinGen allele CA134042803.
Genomic context (GRCh38, chr6:10,398,511, plus strand): 5'-TTGGCGTTGTTGTCCGTGTGGCTGTTGGGGTTGTTGCTGAGGTACATTTTGTCCATGGCC[T>G]TGAGGGCCTCGGTGAGATAGTTCTGCAGGGCCGTGACCGCGGCACACACCGCGGGGCTGC-3'
Protein context (NP_001358995.1, residues 399-419): ALQNYLTEAL[Lys409Thr]AMDKMYLSNN

ClinVar aggregate classification (germline): Uncertain significance (1 of 4 stars; one submission).

Allele frequency attached by ClinVar (database versions not stated): gnomAD 0.00001; TOPMed 0.00002.
gnomAD v4.1: 1 of 1,614,078 alleles (0.000062%); highest among the groups gnomAD compares: African/African-American, 0.0013%; no homozygotes.

Submission:

GeneDx
Classification: Uncertain significance. Last evaluated: 2022-08-10. Review status: criteria provided, single submitter. Criteria: GeneDx Variant Classification Process June 2021. Collection method: clinical testing. Allele origin: germline. Affected: yes.
Comment: Not observed in large population cohorts (gnomAD); In silico analysis supports that this missense variant has a deleterious effect on protein structure/function; Has not been previously published as pathogenic or benign to our knowledge